The following is an entry in ClinVar:

ClinVar aggregate classification (germline): Uncertain significance (1 of 4 stars; one submission).

Conditions:
CHARGE syndrome (CHARGE). Also called: Hittner Hirsch Kreh syndrome; CHARGE ASSOCIATION--COLOBOMA, HEART ANOMALY, CHOANAL ATRESIA, RETARDATION, GENITAL AND EAR ANOMALIES; Coloboma, heart anomaly, choanal atresia, retardation, genital and ear anomalies; CHARGE association; Hall-Hittner syndrome. Identifiers: Orphanet 138, MedGen C0265354, MONDO:0008965.

Submission:

Labcorp Genetics (formerly Invitae), Labcorp
Classification: Uncertain significance for CHARGE syndrome. Last evaluated: 2024-11-20. Review status: criteria provided, single submitter. Criteria: Invitae Variant Classification Sherloc (09022015). Collection method: clinical testing. Allele origin: germline.
Comment: This sequence change replaces threonine, which is neutral and polar, with arginine, which is basic and polar, at codon 25 of the SEMA3E protein (p.Thr25Arg). This variant is not present in population databases (gnomAD no frequency). This variant has not been reported in the literature in individuals affected with SEMA3E-related conditions. An algorithm developed to predict the effect of missense changes on protein structure and function (PolyPhen-2) suggests that this variant is likely to be tolerated. In summary, the available evidence is currently insufficient to determine the role of this variant in disease. Therefore, it has been classified as a Variant of Uncertain Significance.

NM_012431.3(SEMA3E):c.74C>G (p.Thr25Arg)

Gene: SEMA3E (semaphorin 3E; minus strand). Cytogenetic location: 7q21.11.
Variant type: single nucleotide variant.
Coding change: c.74C>G on transcript NM_012431.3 (MANE Select); coding-DNA position 74, C replaced by G.
Protein change: p.Thr25Arg; replaces threonine 25 with arginine.
Molecular consequence: missense variant.
Genome position (GRCh38, 1-based): chr7:83,648,469, G>C on the plus strand (C>G on the coding strand, the complement: SEMA3E is on the minus strand). VCF-style: chr7-83648469-G-C. GRCh37 (hg19) VCF-style: chr7-83277785-G-C.
Other names: short protein forms T25R.
Identifiers: ClinVar variation 3689104 (VCV003689104.2).